The following is an entry in ClinVar:

ClinVar aggregate classification (germline): Uncertain significance (1 of 4 stars; one submission).

Conditions:
RASopathy. Also called: rasopathies; Noonan spectrum disorder. Identifiers: Orphanet 536391, MedGen C5555857, MONDO:0021060.

Submission:

Labcorp Genetics (formerly Invitae), Labcorp
Classification: Uncertain significance for RASopathy. Last evaluated: 2019-08-07. Review status: criteria provided, single submitter. Criteria: Invitae Variant Classification Sherloc (09022015). Collection method: clinical testing. Allele origin: germline.
Comment: In summary, the available evidence is currently insufficient to determine the role of this variant in disease. Therefore, it has been classified as a Variant of Uncertain Significance. Algorithms developed to predict the effect of missense changes on protein structure and function (SIFT, PolyPhen-2, Align-GVGD) all suggest that this variant is likely to be tolerated, but these predictions have not been confirmed by published functional studies and their clinical significance is uncertain. This variant has not been reported in the literature in individuals with BRAF-related conditions. This variant is not present in population databases (ExAC no frequency). This sequence change replaces asparagine with threonine at codon 236 of the BRAF protein (p.Asn236Thr). The asparagine residue is highly conserved and there is a small physicochemical difference between asparagine and threonine.

NM_004333.6(BRAF):c.707A>C (p.Asn236Thr)

Gene: BRAF (B-Raf proto-oncogene, serine/threonine kinase; minus strand). Cytogenetic location: 7q34.
Variant type: single nucleotide variant.
Coding change: c.707A>C on transcript NM_004333.6 (MANE Select); coding-DNA position 707, A replaced by C.
Protein change: p.Asn236Thr; replaces asparagine 236 with threonine.
Molecular consequence: missense variant.
Genome position (GRCh38, 1-based): chr7:140,807,964, T>G on the plus strand (A>C on the coding strand, the complement: BRAF is on the minus strand). VCF-style: chr7-140807964-T-G. GRCh37 (hg19) VCF-style: chr7-140507764-T-G.
Other names: c.707A>C, p.Asn236Thr (NM_001354609.2, NM_001374244.1, NM_001374258.1 and 4 more transcripts); c.716A>C, p.Asn239Thr (NM_001378467.1); c.605A>C, p.Asn202Thr (NM_001378470.1); c.551A>C, p.Asn184Thr (NM_001378472.1, NM_001378473.1); c.443A>C, p.Asn148Thr (NM_001378475.1); short protein forms N202T, N148T, N236T, N184T, N239T.
Identifiers: ClinVar variation 847981 (VCV000847981.9), dbSNP rs1803829907, ClinGen allele CA369590934.